The following is an entry in ClinVar:

NM_173842.3(IL1RN):c.459C>T (p.Asp153=)

Gene: IL1RN (interleukin 1 receptor antagonist; plus strand). Cytogenetic location: 2q14.1.
Variant type: single nucleotide variant.
Coding change: c.459C>T on transcript NM_173842.3 (MANE Select); coding-DNA position 459, C replaced by T.
Protein change: p.Asp153=; no amino-acid change (aspartic acid 153 retained).
Molecular consequence: synonymous variant.
Genome position (GRCh38, 1-based): chr2:113,132,796, C>T. VCF-style: chr2-113132796-C-T. GRCh37 (hg19) VCF-style: chr2-113890373-C-T.
Other names: p.Asp153=; c.405C>T, p.Asp135= (NM_000577.5); c.357C>T, p.Asp119= (NM_001318914.2, NM_001379360.1, NM_173843.3); c.468C>T, p.Asp156= (NM_173841.3).
Identifiers: ClinVar variation 330828 (VCV000330828.21), dbSNP rs4252023, ClinGen allele CA1838906.
Genomic context (GRCh38, chr2:113,132,796, plus strand): 5'-CACCAGTTTTGAGTCTGCCGCCTGCCCCGGTTGGTTCCTCTGCACAGCGATGGAAGCTGA[C>T]CAGCCCGTCAGCCTCACCAATATGCCTGACGAAGGCGTCATGGTCACCAAATTCTACTTC-3'
Protein context (NP_776214.1, residues 143-163): GWFLCTAMEA[Asp153=]QPVSLTNMPD

ClinVar aggregate classification (germline): Benign/Likely benign. Review status: criteria provided, multiple submitters, no conflicts (2 of 4 stars). 6 submissions from 6 submitters: Benign (4); Likely benign (2). Last evaluated 2026-02-01.

Conditions:
Sterile multifocal osteomyelitis with periostitis and pustulosis. Also called: CHRONIC RECURRENT MULTIFOCAL OSTEOMYELITIS 2, WITH PERIOSTITIS AND PUSTULOSIS. Identifiers: Orphanet 210115, MedGen C2748507, MONDO:0013021, OMIM 612852.
Autoinflammatory syndrome. Identifiers: Orphanet 93665, MedGen C3890737, MONDO:0019751.

Allele frequency attached by ClinVar (database versions not stated): gnomAD exomes 0.00141 and 0.00395; ExAC 0.00505; 1000 Genomes Project 0.01418; gnomAD 0.01535 and 0.01650; 1000 Genomes Project 30x 0.01546; ESP Exome Variant Server 0.01645; TOPMed 0.01711.
gnomAD v4.1: 4,484 of 1,614,258 alleles (0.28%); highest among the groups gnomAD compares: African/African-American, 5.2%; 107 homozygotes.

Submissions (6):

Labcorp Genetics (formerly Invitae), Labcorp
Classification: Benign for Sterile multifocal osteomyelitis with periostitis and pustulosis. Last evaluated: 2026-02-01. Review status: criteria provided, single submitter. Criteria: Invitae Variant Classification Sherloc (09022015). Collection method: clinical testing. Allele origin: germline.

Women's Health and Genetics/Laboratory Corporation of America, LabCorp
Classification: Benign. Last evaluated: 2026-01-21. Review status: criteria provided, single submitter. Criteria: LabCorp Variant Classification Summary - May 2015. Collection method: clinical testing. Allele origin: germline.

Genome Diagnostics Laboratory, The Hospital for Sick Children
Classification: Benign for Autoinflammatory syndrome. Last evaluated: 2021-08-21. Review status: criteria provided, single submitter. Criteria: ACMG Guidelines, 2015. Collection method: clinical testing. Allele origin: germline. Affected: yes.

Mayo Clinic Laboratories, Mayo Clinic
Classification: Benign. Last evaluated: 2020-08-25. Review status: criteria provided, single submitter. Criteria: ACMG Guidelines, 2015. Collection method: clinical testing. Allele origin: germline. Observed: 14 variant alleles.

Illumina Laboratory Services, Illumina
Classification: Likely benign for Sterile multifocal osteomyelitis with periostitis and pustulosis. Last evaluated: 2017-04-27. Review status: criteria provided, single submitter. Criteria: ICSL Variant Classification Criteria 13 December 2019. Collection method: clinical testing. Allele origin: germline.
Comment: This variant was observed as part of a predisposition screen in an ostensibly healthy population. A literature search was performed for the gene, cDNA change, and amino acid change (where applicable). Publications were found based on this search. The evidence from the literature, in combination with allele frequency data from public databases where available, was sufficient to determine this variant is unlikely to cause disease. Therefore, this variant is classified as likely benign.

Breakthrough Genomics
Classification: Likely benign. Review status: criteria provided, single submitter. Criteria: ACMG Guidelines, 2015. Collection method: not provided. Allele origin: germline. Inheritance: Autosomal recessive inheritance. Affected: yes.

Literature cited by the submitters: PubMed 19729864 (cited by Illumina Laboratory Services, Illumina).